The following is an entry in ClinVar:

NM_001134407.3(GRIN2A):c.2833_2834insTTCAG (p.Asp945fs)

Gene: GRIN2A (glutamate ionotropic receptor NMDA type subunit 2A; minus strand). Cytogenetic location: 16p13.2.
Variant type: Insertion.
Coding change: c.2833_2834insTTCAG on transcript NM_001134407.3 (MANE Select); coding-DNA positions 2833 to 2834, TTCAG inserted.
Protein change: p.Asp945fs; shifts the reading frame from aspartic acid 945.
Molecular consequence: frameshift variant.
Genome position: GRCh38 VCF-style: chr16-9764710-T-TCTGAA. GRCh37 (hg19) VCF-style: chr16-9858567-T-TCTGAA.
Other names: c.2833_2834insTTCAG, p.Asp945fs (NM_000833.5, NM_001134408.2); short protein forms D945fs.
Identifiers: ClinVar variation 1069106 (VCV001069106.9), dbSNP rs2141136701, ClinGen allele CA2499223891.

ClinVar aggregate classification (germline): Pathogenic (1 of 4 stars; one submission).

Conditions:
Landau-Kleffner syndrome (FESD). Also called: EPILEPSY, FOCAL, WITH SPEECH DISORDER AND WITH OR WITHOUT MENTAL RETARDATION; APHASIA, ACQUIRED, WITH EPILEPSY. Identifiers: Orphanet 1945, Orphanet 725, Orphanet 98818, MedGen C0282512, MONDO:0009509, OMIM 245570.

Submission:

Labcorp Genetics (formerly Invitae), Labcorp
Classification: Pathogenic for Landau-Kleffner syndrome. Last evaluated: 2022-08-30. Review status: criteria provided, single submitter. Criteria: Invitae Variant Classification Sherloc (09022015). Collection method: clinical testing. Allele origin: germline.
Comment: This sequence change creates a premature translational stop signal (p.Asp945Valfs*18) in the GRIN2A gene. While this is not anticipated to result in nonsense mediated decay, it is expected to disrupt the last 520 amino acid(s) of the GRIN2A protein. For these reasons, this variant has been classified as Pathogenic. This variant disrupts a region of the GRIN2A protein in which other variant(s) (p.Trp1271*) have been determined to be pathogenic (PMID: 29961510). This suggests that this is a clinically significant region of the protein, and that variants that disrupt it are likely to be disease-causing. Algorithms developed to predict the effect of sequence changes on RNA splicing suggest that this variant may create or strengthen a splice site. ClinVar contains an entry for this variant (Variation ID: 1069106). This variant has not been reported in the literature in individuals affected with GRIN2A-related conditions. This variant is not present in population databases (gnomAD no frequency).

Literature cited by the submitters: PubMed 29961510.